The following is an entry in ClinVar:

ClinVar aggregate classification (germline): Conflicting classifications of pathogenicity. Review status: criteria provided, conflicting classifications (1 of 4 stars). 6 submissions from 6 submitters: Pathogenic (4); Likely pathogenic (1); Uncertain significance (1). Last evaluated 2025-12-31.

Conditions:
Neurodevelopmental disorder with dysmorphic facies and variable seizures (NEDDFAS). Also called: EMC10-Related Neurodevelopmental Disorder. Identifiers: MedGen C5543268, MONDO:0031011, OMIM 619264.
EMC10-related disorders.

Allele frequency attached by ClinVar (database versions not stated): gnomAD exomes 0.00009 and 0.00010; ExAC 0.00010; gnomAD 0.00011; TOPMed 0.00011; ESP Exome Variant Server 0.00015.
gnomAD v4.1: 176 of 1,613,520 alleles (0.011%); highest among the groups gnomAD compares: Non-Finnish European, 0.013%; no homozygotes.

Submissions (7):

Women's Health and Genetics/Laboratory Corporation of America, LabCorp
Classification: Pathogenic for Neurodevelopmental disorder with dysmorphic facies and variable seizures. Last evaluated: 2025-12-31. Review status: criteria provided, single submitter. Criteria: LabCorp Variant Classification Summary - May 2015. Collection method: clinical testing. Allele origin: germline.
Comment: Variant summary: EMC10 c.343C>T (p.Arg115X) results in a premature termination codon, predicted to cause a truncation of the encoded protein or absence of the protein due to nonsense mediated decay, which are commonly known mechanisms for disease. The variant allele was found at a frequency of 9.3e-05 in 248208 control chromosomes. This frequency is not significantly higher than estimated for disease-causing variants in EMC10, allowing no conclusion about variant significance. c.343C>T has been observed in individual(s) affected with Neurodevelopmental Disorder With Dysmorphic Facies And Variable Seizures (e.g., Seo_2022). The following publication has been ascertained in the context of this evaluation (PMID: 35346031). ClinVar contains an entry for this variant (Variation ID: 1320119). Based on the evidence outlined above, the variant was classified as pathogenic.

GeneDx
Classification: Pathogenic. Last evaluated: 2025-12-30. Review status: criteria provided, single submitter. Criteria: GeneDx Variant Classification Process June 2021. Collection method: clinical testing. Allele origin: germline.
Comment: Reported in a cohort of individuals with cardiovascular disease traits; however, clinical information and zygosity were not provided (PMID: 31345219); Nonsense variant predicted to result in protein truncation or nonsense mediated decay in a gene for which loss of function is a known mechanism of disease; This variant is associated with the following publications: (PMID: 31345219)

Variantyx, Inc.
Classification: Likely pathogenic for Neurodevelopmental disorder with dysmorphic facies and variable seizures. Last evaluated: 2025-07-17. Review status: criteria provided, single submitter. Criteria: Variantyx Assertion Criteria 2022. Collection method: clinical testing. Allele origin: germline. Inheritance: Autosomal recessive inheritance. Affected: no.
Comment: This is a nonsense variant in the EMC10 gene (OMIM: 614545). Pathogenic variants in this gene have been associated with autosomal recessive neurodevelopmental disorder with dysmorphic facies and variable seizures. This variant introduces a premature termination codon in exon 4 out of 7 and is expected to result in loss of function, which is a known disease mechanism for EMC10 in this disorder (PVS1) PMID: 35684946). This variant has a 0.0126% maximum allele frequency in non-founder control populations (PM2). It has been reported in at least one affected individual who carried a second variant in this gene; however, the phase of these variants could not be determined (PMID: 35346031). Based on the current evidence, this variant is classified as likely pathogenic for autosomal recessive neurodevelopmental disorder with dysmorphic facies and variable seizures.

3billion
Classification: Pathogenic for Neurodevelopmental disorder with dysmorphic facies and variable seizures. Last evaluated: 2025-02-04. Review status: criteria provided, single submitter. Criteria: ACMG Guidelines, 2015. Collection method: clinical testing. Allele origin: germline. Affected: yes.
Comment: The variant is observed at an extremely low frequency in the gnomAD v4.1.0 dataset (total allele frequency: 0.011%). Predicted Consequence/Location: Stop-gained (nonsense): predicted to result in a loss or disruption of normal protein function through nonsense-mediated decay (NMD) or protein truncation. Multiple pathogenic variants are reported downstream of the variant. The variant has been reported to be in trans with a pathogenic variant as either compound heterozygous or homozygous in at least one similarly affected unrelated individual (3billion dataset). The variant has been reported at least twice as pathogenic without evidence for the classification (ClinVar ID: VCV001320119 /3billion dataset). Therefore, this variant is classified as Pathogenic according to the recommendation of ACMG/AMP guideline.

Blueprint Genetics
Classification: Pathogenic for EMC10-related disorders. Last evaluated: 2024-10-21. Review status: criteria provided, single submitter. Criteria: ACMG Guidelines, 2015. Collection method: clinical testing. Allele origin: germline. Affected: yes. Observed: 5 variant alleles.

Juno Genomics, Hangzhou Juno Genomics, Inc
Classification: Uncertain significance for Neurodevelopmental disorder with dysmorphic facies and variable seizures. Review status: criteria provided, single submitter. Criteria: ACMG Guidelines, 2015. Collection method: clinical testing. Allele origin: germline.
Comment: Absent from controls (or at extremely low frequency if recessive) in Genome Aggregation Database.

Dr. Peter K. Rogan Lab, Western University
No classification provided (evidence only). Condition: Malignant tumor of urinary bladder. Review status: no classification provided. Collection method: in vitro. Allele origin: not applicable. Functional consequence: retained intron. Not counted in ClinVar's aggregate classification.

Literature cited by the submitters: PubMed 35346031 (cited by Women's Health and Genetics/Laboratory Corporation of America, LabCorp); PubMed 35684946 (cited by Variantyx, Inc.).

NM_206538.4(EMC10):c.343C>T (p.Arg115Ter)

Gene: EMC10 (ER membrane protein complex subunit 10; plus strand). Cytogenetic location: 19q13.33.
Variant type: single nucleotide variant.
Coding change: c.343C>T on transcript NM_206538.4 (MANE Select); coding-DNA position 343, C replaced by T.
Protein change: p.Arg115Ter; replaces arginine 115 with a stop codon.
Molecular consequence: nonsense.
Genome position (GRCh38, 1-based): chr19:50,480,156, C>T. VCF-style: chr19-50480156-C-T. GRCh37 (hg19) VCF-style: chr19-50983413-C-T.
Other names: NC_000019.9:g.50983413C>T; c.343C>T (NM_175063.5); c.343C>T, p.Arg115Ter (NM_175063.6); short protein forms R115*.
Identifiers: ClinVar variation 1320119 (VCV001320119.10), dbSNP rs151303712, ClinGen allele CA9599026.